The following is an entry in ClinVar:

ClinVar aggregate classification (germline): Likely benign (1 of 4 stars; one submission).

gnomAD v4.1: 13 of 718,332 alleles (0.0018%); highest among the groups gnomAD compares: East Asian, 0.0054%; no homozygotes.

Submission:

CeGaT Center for Human Genetics Tuebingen
Classification: Likely benign. Last evaluated: 2026-01-01. Review status: criteria provided, single submitter. Criteria: CeGaT Center For Human Genetics Tuebingen Variant Classification Criteria Version 2. Collection method: clinical testing. Allele origin: germline. Affected: yes. Observed: 1 variant allele.
Comment: OPRM1: BP4, BP7

NM_000914.5(OPRM1):c.1165-10894G>A

Gene: OPRM1 (opioid receptor mu 1; plus strand). Cytogenetic location: 6q25.2.
Variant type: single nucleotide variant.
Coding change: c.1165-10894G>A on transcript NM_000914.5 (MANE Select); 10894 bases into the intron before coding-DNA position 1165, G replaced by A.
Molecular consequence: intron variant. On other transcripts: synonymous variant (1), non-coding transcript variant (1).
Genome position (GRCh38, 1-based): chr6:154,107,789, G>A. VCF-style: chr6-154107789-G-A. GRCh37 (hg19) VCF-style: chr6-154428924-G-A.
Other names: c.1206G>A, p.Ser402= (NM_001145284.3); c.1444-10894G>A (NM_001145279.4, NM_001285524.1); c.865-10894G>A (NM_001145280.4, NM_001145287.3, NM_001285526.2); c.922-10894G>A (NM_001145281.3); c.291-10894G>A (NM_001285522.1); c.1164+16317G>A (NM_001008503.3); c.1165-2566G>A (NM_001145282.2); c.1165-227G>A (NM_001145283.2).
Identifiers: ClinVar variation 4821545 (VCV004821545.4).